The following is an entry in ClinVar:

NM_173630.4(RTTN):c.5823A>G (p.Lys1941=)

Gene: RTTN (rotatin; minus strand). Cytogenetic location: 18q22.2.
Variant type: single nucleotide variant.
Coding change: c.5823A>G on transcript NM_173630.4 (MANE Select); coding-DNA position 5823, A replaced by G.
Protein change: p.Lys1941=; no amino-acid change (lysine 1941 retained).
Molecular consequence: synonymous variant.
Genome position (GRCh38, 1-based): chr18:70,028,724, T>C on the plus strand (A>G on the coding strand, the complement: RTTN is on the minus strand). VCF-style: chr18-70028724-T-C. GRCh37 (hg19) VCF-style: chr18-67695960-T-C.
Other names: c.3087A>G, p.Lys1029= (NM_001318520.2).
Identifiers: ClinVar variation 2112948 (VCV002112948.4), dbSNP rs1361994571, ClinGen allele CA504311644.

ClinVar aggregate classification (germline): Uncertain significance (1 of 4 stars; one submission).

Allele frequency attached by ClinVar (database versions not stated): gnomAD exomes below 0.00001.

Submission:

Labcorp Genetics (formerly Invitae), Labcorp
Classification: Uncertain significance. Last evaluated: 2022-04-21. Review status: criteria provided, single submitter. Criteria: Invitae Variant Classification Sherloc (09022015). Collection method: clinical testing. Allele origin: germline.
Comment: In summary, the available evidence is currently insufficient to determine the role of this variant in disease. Therefore, it has been classified as a Variant of Uncertain Significance. Algorithms developed to predict the effect of sequence changes on RNA splicing suggest that this variant is not likely to affect RNA splicing. This variant has not been reported in the literature in individuals affected with RTTN-related conditions. The frequency data for this variant in the population databases is considered unreliable, as metrics indicate poor data quality at this position in the gnomAD database. This sequence change affects codon 1941 of the RTTN mRNA. It is a 'silent' change, meaning that it does not change the encoded amino acid sequence of the RTTN protein. It affects a nucleotide within the consensus splice site.